The following is an entry in ClinVar:

NM_000557.5(GDF5):c.1114T>A (p.Tyr372Asn)

Genes: GDF5 (growth differentiation factor 5; minus strand), GDF5-AS1 (GDF5 antisense RNA 1; plus strand). Cytogenetic location: 20q11.22.
Variant type: single nucleotide variant.
Coding change: c.1114T>A on transcript NM_000557.5 (MANE Select); coding-DNA position 1114, T replaced by A.
Protein change: p.Tyr372Asn; replaces tyrosine 372 with asparagine.
Molecular consequence: missense variant. On other transcripts: non-coding transcript variant (1).
Genome position (GRCh38, 1-based): chr20:35,434,301, A>T on the plus strand (T>A on the coding strand, the complement: GDF5 is on the minus strand). VCF-style: chr20-35434301-A-T. GRCh37 (hg19) VCF-style: chr20-34022099-A-T.
Other names: c.1114T>A, p.Tyr372Asn (NM_001319138.2); short protein forms Y372N.
Identifiers: ClinVar variation 2061884 (VCV002061884.4), dbSNP rs745630848, ClinGen allele CA408739920.

ClinVar aggregate classification (germline): Uncertain significance (1 of 4 stars; one submission).

Submission:

Labcorp Genetics (formerly Invitae), Labcorp
Classification: Uncertain significance. Last evaluated: 2021-12-27. Review status: criteria provided, single submitter. Criteria: Invitae Variant Classification Sherloc (09022015). Collection method: clinical testing. Allele origin: germline.
Comment: In summary, the available evidence is currently insufficient to determine the role of this variant in disease. Therefore, it has been classified as a Variant of Uncertain Significance. Algorithms developed to predict the effect of missense changes on protein structure and function are either unavailable or do not agree on the potential impact of this missense change (SIFT: "Deleterious"; PolyPhen-2: "Benign"; Align-GVGD: "Class C0"). This variant has not been reported in the literature in individuals affected with GDF5-related conditions. This variant is not present in population databases (gnomAD no frequency). This sequence change replaces tyrosine, which is neutral and polar, with asparagine, which is neutral and polar, at codon 372 of the GDF5 protein (p.Tyr372Asn).